The following is an entry in ClinVar:

NM_004064.5(CDKN1B):c.166A>C (p.Ser56Arg)

Gene: CDKN1B (cyclin dependent kinase inhibitor 1B; plus strand). Cytogenetic location: 12p13.1.
Variant type: single nucleotide variant.
Coding change: c.166A>C on transcript NM_004064.5 (MANE Select); coding-DNA position 166, A replaced by C.
Protein change: p.Ser56Arg; replaces serine 56 with arginine.
Molecular consequence: missense variant.
Genome position (GRCh38, 1-based): chr12:12,718,005, A>C. VCF-style: chr12-12718005-A-C. GRCh37 (hg19) VCF-style: chr12-12870939-A-C.
Other names: short protein forms S56R.
Identifiers: ClinVar variation 5034235 (VCV005034235.1).

ClinVar aggregate classification (germline): Uncertain significance (1 of 4 stars; one submission).

Conditions:
Hereditary cancer-predisposing syndrome. Also called: Hereditary Cancer Syndrome; Neoplastic Syndromes, Hereditary; Tumor predisposition; Hereditary neoplastic syndrome. Identifiers: Orphanet 140162, MedGen C0027672, MeSH D009386, MONDO:0015356.

Submission:

Ambry Genetics
Classification: Uncertain significance for Hereditary cancer-predisposing syndrome. Last evaluated: 2026-08-11. Review status: criteria provided, single submitter. Criteria: Ambry Variant Classification Scheme 2023. Collection method: clinical testing. Allele origin: germline.
Comment: The p.S56R variant (also known as c.166A>C), located in coding exon 1 of the CDKN1B gene, results from an A to C substitution at nucleotide position 166. The serine at codon 56 is replaced by arginine, an amino acid with dissimilar properties. This amino acid position is not well conserved in available vertebrate species. In addition, this alteration is predicted to be tolerated by in silico analysis. Based on the available evidence, the clinical significance of this variant remains unclear.